The following is an entry in ClinVar:

ClinVar aggregate classification (germline): Uncertain significance (1 of 4 stars; one submission).

Conditions:
Polycystic kidney disease, adult type (PKD1). Also called: Polycystic Kidney, Autosomal Dominant; POLYCYSTIC KIDNEY DISEASE 1 WITH OR WITHOUT POLYCYSTIC LIVER DISEASE; Polycystic Kidney Disease 1, Autosomal Dominant; Polycystic kidney disease 1; Polycystic kidney disease 1, severe; POLYCYSTIC KIDNEY DISEASE, ADULT, TYPE I. Identifiers: MedGen C3149841, MONDO:0008263, OMIM 173900.

Submission:

MVZ Medizinische Genetik Mainz
Classification: Uncertain significance for Polycystic kidney disease, adult type. Last evaluated: 2024-02-29. Review status: criteria provided, single submitter. Criteria: UK Practice Guidelines For Variant Classification V4 01 2020. Collection method: clinical testing. Allele origin: germline. Inheritance: Autosomal dominant inheritance. Affected: yes. Observed: 1 variant allele.
Comment: ACMG Criteria: PM2_SUP

NM_001009944.3(PKD1):c.6191T>A (p.Val2064Glu)

Gene: PKD1 (polycystin 1, transient receptor potential channel interacting; minus strand). Cytogenetic location: 16p13.3.
Variant type: single nucleotide variant.
Coding change: c.6191T>A on transcript NM_001009944.3 (MANE Select); coding-DNA position 6191, T replaced by A.
Protein change: p.Val2064Glu; replaces valine 2064 with glutamic acid.
Molecular consequence: missense variant.
Genome position (GRCh38, 1-based): chr16:2,108,976, A>T on the plus strand (T>A on the coding strand, the complement: PKD1 is on the minus strand). VCF-style: chr16-2108976-A-T. GRCh37 (hg19) VCF-style: chr16-2158977-A-T.
Other names: c.6191T>A, p.Val2064Glu (NM_000296.4); short protein forms V2064E.
Identifiers: ClinVar variation 3066194 (VCV003066194.1), dbSNP rs2544804974, ClinGen allele CA394374055.